The following is an entry in ClinVar:

NM_006949.4(STXBP2):c.247-2A>C

Gene: STXBP2 (syntaxin binding protein 2; plus strand). Cytogenetic location: 19p13.2.
Variant type: single nucleotide variant.
Coding change: c.247-2A>C on transcript NM_006949.4 (MANE Select); the canonical splice acceptor site of the intron before coding-DNA position 247, A replaced by C.
Molecular consequence: splice acceptor variant. On other transcripts: missense variant (1), intron variant (1).
Genome position (GRCh38, 1-based): chr19:7,640,729, A>C. VCF-style: chr19-7640729-A-C. GRCh37 (hg19) VCF-style: chr19-7705615-A-C.
Other names: c.278A>C, p.Gln93Pro (NM_001272034.2); c.151-2A>C (NM_001414484.1); c.247-11A>C (NM_001127396.3); short protein forms Q93P.
Identifiers: ClinVar variation 857426 (VCV000857426.11), dbSNP rs921624651, ClinGen allele CA403157382.

ClinVar aggregate classification (germline): Likely pathogenic. Review status: criteria provided, multiple submitters, no conflicts (2 of 4 stars). 2 submissions from 2 submitters: Likely pathogenic (2). Last evaluated 2025-02-17.

Conditions:
Familial hemophagocytic lymphohistiocytosis (FHL). Also called: Hereditary hemophagocytic lymphohistiocytosis; Familial erythrophagocytic lymphohistiocytosis; Familial histiocytic reticulosis. Identifiers: Orphanet 158038, Orphanet 540, MedGen C0272199, MONDO:0015541.
Familial hemophagocytic lymphohistiocytosis 5. Also called: STXBP2-Related Familial Hemophagocytic Lymphohistiocytosis (STXBP2-fHLH). Identifiers: Orphanet 540, MedGen C2751293, MONDO:0013135, OMIM 613101.

Submissions (2):

Labcorp Genetics (formerly Invitae), Labcorp
Classification: Likely pathogenic for Familial hemophagocytic lymphohistiocytosis 5. Last evaluated: 2025-02-17. Review status: criteria provided, single submitter. Criteria: Invitae Variant Classification Sherloc (09022015). Collection method: clinical testing. Allele origin: germline.
Comment: This sequence change affects an acceptor splice site in intron 4 of the STXBP2 gene. It is expected to disrupt RNA splicing. Variants that disrupt the donor or acceptor splice site typically lead to a loss of protein function (PMID: 16199547), and loss-of-function variants in STXBP2 are known to be pathogenic (PMID: 19804848, 22451424). This variant is not present in population databases (gnomAD no frequency). Disruption of this splice site has been observed in individual(s) with clinical features of hemophagocytic lymphohistiocytosis (internal data). ClinVar contains an entry for this variant (Variation ID: 857426). Algorithms developed to predict the effect of sequence changes on RNA splicing suggest that this variant may disrupt the consensus splice site. In summary, the currently available evidence indicates that the variant is pathogenic, but additional data are needed to prove that conclusively. Therefore, this variant has been classified as Likely Pathogenic.

Women's Health and Genetics/Laboratory Corporation of America, LabCorp
Classification: Likely pathogenic for Familial hemophagocytic lymphohistiocytosis. Last evaluated: 2022-10-09. Review status: criteria provided, single submitter. Criteria: LabCorp Variant Classification Summary - May 2015. Collection method: clinical testing. Allele origin: germline.
Comment: Variant summary: STXBP2 c.247-2A>C is located in a canonical splice-site and is predicted to affect mRNA splicing resulting in a significantly altered protein due to either exon skipping, shortening, or inclusion of intronic material. Several computational tools predict a significant impact on normal splicing: Two predict the variant abolishes a canonical 3' acceptor site. Three predict the variant creates a cryptic 3' acceptor site and one predicts the variant strengthens a cryptic 3' acceptor site. However, these predictions have yet to be confirmed by functional studies. The variant was absent in 251440 control chromosomes (gnomAD). To our knowledge, no occurrence of c.247-2A>C in individuals affected with Familial Hemophagocytic Lymphohistiocytosis and no experimental evidence demonstrating its impact on protein function have been reported. One ClinVar submitter has assessed the variant since 2014: the variant was classified as likely pathogenic. Based on the evidence outlined above, the variant was classified as likely pathogenic.

Literature cited by the submitters: PubMed 16199547 (cited by Labcorp Genetics (formerly Invitae), Labcorp); PubMed 19804848 (cited by Labcorp Genetics (formerly Invitae), Labcorp); PubMed 22451424 (cited by Labcorp Genetics (formerly Invitae), Labcorp).